The following is an entry in ClinVar:

NM_018670.4(MESP1):c.167delinsTGCCGAGCCCCGT (p.Ala56delinsValProSerProVal)

Genes: MESP1 (mesoderm posterior bHLH transcription factor 1; minus strand), LOC130057889 (ATAC-STARR-seq lymphoblastoid silent region 6804; plus strand). Cytogenetic location: 15q26.1.
Variant type: Indel.
Coding change: c.167delinsTGCCGAGCCCCGT on transcript NM_018670.4 (MANE Select); coding-DNA position 167, C replaced by TGCCGAGCCCCGT.
Protein change: p.Ala56delinsValProSerProVal.
Molecular consequence: inframe indel.
Genome position (GRCh38, 1-based): chr15:89,751,065, G replaced by ACGGGGCTCGGCA on the plus strand (C replaced by TGCCGAGCCCCGT on the coding strand, the reverse complement: MESP1 is on the minus strand). VCF-style: chr15-89751065-G-ACGGGGCTCGGCA. GRCh37 (hg19) VCF-style: chr15-90294296-G-ACGGGGCTCGGCA.
Identifiers: ClinVar variation 2911671 (VCV002911671.3), dbSNP rs2505155574, ClinGen allele CA2739269697.

ClinVar aggregate classification (germline): Uncertain significance (1 of 4 stars; one submission).

Submission:

Labcorp Genetics (formerly Invitae), Labcorp
Classification: Uncertain significance. Last evaluated: 2025-07-28. Review status: criteria provided, single submitter. Criteria: Invitae Variant Classification Sherloc (09022015). Collection method: clinical testing. Allele origin: germline.
Comment: This variant, c.167delinsTGCCGAGCCCCGT , is a complex sequence change that results in the deletion of 1 and insertion of 5 amino acid(s) in the MESP1 protein (p.Ala56delinsValProSerProVal). Information on the frequency of this variant in the gnomAD database is not available, as this variant may be reported differently in the database. This variant has not been reported in the literature in individuals affected with MESP1-related conditions. Experimental studies and prediction algorithms are not available or were not evaluated, and the functional significance of this variant is currently unknown. In summary, the available evidence is currently insufficient to determine the role of this variant in disease. Therefore, it has been classified as a Variant of Uncertain Significance.